The following is an entry in ClinVar:

NM_006208.3(ENPP1):c.2663G>A (p.Arg888Gln)

Gene: ENPP1 (ectonucleotide pyrophosphatase/phosphodiesterase 1; plus strand). Cytogenetic location: 6q23.2.
Variant type: single nucleotide variant.
Coding change: c.2663G>A on transcript NM_006208.3 (MANE Select); coding-DNA position 2663, G replaced by A.
Protein change: p.Arg888Gln; replaces arginine 888 with glutamine.
Molecular consequence: missense variant.
Genome position (GRCh38, 1-based): chr6:131,890,396, G>A. VCF-style: chr6-131890396-G-A. GRCh37 (hg19) VCF-style: chr6-132211536-G-A.
Other names: short protein forms R888Q.
Identifiers: ClinVar variation 1949588 (VCV001949588.5), dbSNP rs769460781, ClinGen allele CA4002610.

ClinVar aggregate classification (germline): Likely pathogenic (1 of 4 stars; one submission).

Allele frequency attached by ClinVar (database versions not stated): ExAC 0.00001; gnomAD exomes 0.00001.
gnomAD v4.1: 9 of 1,613,282 alleles (0.00056%); highest among the groups gnomAD compares: Non-Finnish European, 0.00051%; no homozygotes.

Submission:

Labcorp Genetics (formerly Invitae), Labcorp
Classification: Likely pathogenic. Last evaluated: 2024-09-04. Review status: criteria provided, single submitter. Criteria: Invitae Variant Classification Sherloc (09022015). Collection method: clinical testing. Allele origin: germline.
Comment: This sequence change replaces arginine, which is basic and polar, with glutamine, which is neutral and polar, at codon 888 of the ENPP1 protein (p.Arg888Gln). This variant is present in population databases (rs769460781, gnomAD 0.0009%). This missense change has been observed in individual(s) with hypophosphataemic rickets (PMID: 33107440, 35475527). In at least one individual the data is consistent with being in trans (on the opposite chromosome) from a pathogenic variant. ClinVar contains an entry for this variant (Variation ID: 1949588). Invitae Evidence Modeling of protein sequence and biophysical properties (such as structural, functional, and spatial information, amino acid conservation, physicochemical variation, residue mobility, and thermodynamic stability) indicates that this missense variant is expected to disrupt ENPP1 protein function with a positive predictive value of 80%. Algorithms developed to predict the effect of sequence changes on RNA splicing suggest that this variant may disrupt the consensus splice site. This variant disrupts the p.Arg888 amino acid residue in ENPP1. Other variant(s) that disrupt this residue have been determined to be pathogenic (PMID: 15605415, 27467858). This suggests that this residue is clinically significant, and that variants that disrupt this residue are likely to be disease-causing. In summary, the currently available evidence indicates that the variant is pathogenic, but additional data are needed to prove that conclusively. Therefore, this variant has been classified as Likely Pathogenic.

Literature cited by the submitters: PubMed 33107440; PubMed 35475527; PubMed 15605415; PubMed 27467858.